The following is an entry in ClinVar:

NM_006015.6(ARID1A):c.4700C>T (p.Pro1567Leu)

Gene: ARID1A (AT-rich interaction domain 1A; plus strand). Cytogenetic location: 1p36.11.
Variant type: single nucleotide variant.
Coding change: c.4700C>T on transcript NM_006015.6 (MANE Select); coding-DNA position 4700, C replaced by T.
Protein change: p.Pro1567Leu; replaces proline 1567 with leucine.
Molecular consequence: missense variant. On other transcripts: intron variant (1).
Genome position (GRCh38, 1-based): chr1:26,774,927, C>T. VCF-style: chr1-26774927-C-T. GRCh37 (hg19) VCF-style: chr1-27101418-C-T.
Other names: c.4102-53C>T (NM_139135.4); short protein forms P1567L.
Identifiers: ClinVar variation 3605640 (VCV003605640.2).

ClinVar aggregate classification (germline): Uncertain significance (1 of 4 stars; one submission).

Submission:

Labcorp Genetics (formerly Invitae), Labcorp
Classification: Uncertain significance. Last evaluated: 2024-06-14. Review status: criteria provided, single submitter. Criteria: Invitae Variant Classification Sherloc (09022015). Collection method: clinical testing. Allele origin: germline.
Comment: This sequence change replaces proline, which is neutral and non-polar, with leucine, which is neutral and non-polar, at codon 1567 of the ARID1A protein (p.Pro1567Leu). This variant is present in population databases (no rsID available, gnomAD 0.003%). This variant has not been reported in the literature in individuals affected with ARID1A-related conditions. Advanced modeling of protein sequence and biophysical properties (such as structural, functional, and spatial information, amino acid conservation, physicochemical variation, residue mobility, and thermodynamic stability) performed at Invitae indicates that this missense variant is not expected to disrupt ARID1A protein function with a negative predictive value of 80%. In summary, the available evidence is currently insufficient to determine the role of this variant in disease. Therefore, it has been classified as a Variant of Uncertain Significance.